The following is an entry in ClinVar:

NM_000070.3(CAPN3):c.479C>G (p.Ala160Gly)

Genes: CAPN3 (calpain 3; plus strand), LOC126862115 (BRD4-independent group 4 enhancer GRCh37_chr15:42677734-42678933; plus strand). Cytogenetic location: 15q15.1.
Variant type: single nucleotide variant.
Coding change: c.479C>G on transcript NM_000070.3 (MANE Select); coding-DNA position 479, C replaced by G.
Protein change: p.Ala160Gly; replaces alanine 160 with glycine.
Molecular consequence: missense variant.
Genome position (GRCh38, 1-based): chr15:42,386,266, C>G. VCF-style: chr15-42386266-C-G. GRCh37 (hg19) VCF-style: chr15-42678464-C-G.
Other names: NM_000070.2(CAPN3):c.479C>G(p.Ala160Gly); NM_024344.1(CAPN3):c.479C>G(p.Ala160Gly); NM_173087.1(CAPN3):c.479C>G(p.Ala160Gly); c.479C>G, p.Ala160Gly (NM_024344.2, NM_173087.2); short protein forms A160G.
Identifiers: ClinVar variation 92417 (VCV000092417.60), dbSNP rs17592, ClinGen allele CA145722.

ClinVar aggregate classification (germline): Benign/Likely benign. Review status: criteria provided, multiple submitters, no conflicts (2 of 4 stars). 12 submissions from 12 submitters: Benign (7); Likely benign (3). 2 of the submissions do not count toward it. Last evaluated 2026-02-01.

Conditions:
Autosomal recessive limb-girdle muscular dystrophy type 2A (LGMDR1). Also called: MUSCULAR DYSTROPHY, PELVOFEMORAL; LEYDEN-MOEBIUS MUSCULAR DYSTROPHY; Limb-girdle muscular dystrophy, type 2A; Calpainopathy; Muscular dystrophy, limb-girdle, type 2A, Amish. Identifiers: Orphanet 267, MedGen C1869123, MONDO:0009675, OMIM 253600. Disease mechanism: loss of function.

Allele frequency attached by ClinVar (database versions not stated): TOPMed 0.01566; 1000 Genomes Project 0.02256; 1000 Genomes Project 30x 0.02374; gnomAD exomes 0.00132 and 0.00367; ExAC 0.00451; ESP Exome Variant Server 0.01638; gnomAD 0.01474 and 0.01574.
gnomAD v4.1: 4,253 of 1,612,222 alleles (0.26%); highest among the groups gnomAD compares: African/African-American, 5.1%; 98 homozygotes.

Submissions (12):

Labcorp Genetics (formerly Invitae), Labcorp
Classification: Benign for Autosomal recessive limb-girdle muscular dystrophy type 2A. Last evaluated: 2026-02-01. Review status: criteria provided, single submitter. Criteria: Invitae Variant Classification Sherloc (09022015). Collection method: clinical testing. Allele origin: germline.

Women's Health and Genetics/Laboratory Corporation of America, LabCorp
Classification: Likely benign. Last evaluated: 2021-12-10. Review status: criteria provided, single submitter. Criteria: LabCorp Variant Classification Summary - May 2015. Collection method: clinical testing. Allele origin: germline.

Mendelics
Classification: Benign for Autosomal recessive limb-girdle muscular dystrophy type 2A. Last evaluated: 2019-05-28. Review status: criteria provided, single submitter. Criteria: Mendelics Assertion Criteria 2017. Collection method: clinical testing. Allele origin: unknown.

SIB Swiss Institute of Bioinformatics
Classification: Benign for Autosomal recessive limb-girdle muscular dystrophy type 2A. Last evaluated: 2018-05-31. Review status: criteria provided, single submitter. Criteria: ACMG Guidelines, 2015. Collection method: curation. Allele origin: unknown.
Comment: This variant is interpreted as a Benign, for Muscular dystrophy, limb-girdle, type 2a, in Autosomal Recessive manner. The following ACMG Tag(s) were applied: BS1 => Allele frequency is greater than expected for disorder. BS2 => Observed in a healthy adult individual for a recessive (homozygous), dominant (heterozygous), or X-linked (hemizygous) disorder, with full penetrance expected at an early age.

Mayo Clinic Laboratories, Mayo Clinic
Classification: Benign. Last evaluated: 2018-04-04. Review status: criteria provided, single submitter. Criteria: ACMG Guidelines, 2015. Collection method: clinical testing. Allele origin: germline. Observed: 11 variant alleles.

Illumina Laboratory Services, Illumina
Classification: Likely benign for Limb-girdle muscular dystrophy, type 2A. Last evaluated: 2017-04-27. Review status: criteria provided, single submitter. Criteria: ICSL Variant Classification Criteria 13 December 2019. Collection method: clinical testing. Allele origin: germline.
Comment: This variant was observed as part of a predisposition screen in an ostensibly healthy population. A literature search was performed for the gene, cDNA change, and amino acid change (where applicable). Publications were found based on this search. The evidence from the literature, in combination with allele frequency data from public databases where available, was sufficient to determine this variant is unlikely to cause disease. Therefore, this variant is classified as likely benign.

GeneDx
Classification: Benign. Last evaluated: 2016-07-07. Review status: criteria provided, single submitter. Criteria: GeneDx Variant Classification (06012015). Collection method: clinical testing. Allele origin: germline. Affected: yes.
Comment: This variant is considered likely benign or benign based on one or more of the following criteria: it is a conservative change, it occurs at a poorly conserved position in the protein, it is predicted to be benign by multiple in silico algorithms, and/or has population frequency not consistent with disease.

Eurofins Ntd Llc (ga)
Classification: Benign. Last evaluated: 2013-03-01. Review status: criteria provided, single submitter. Criteria: EGL Classification Definitions 2015. Collection method: clinical testing. Allele origin: germline. Observed: 3 variant alleles, 3 heterozygotes.

Breakthrough Genomics
Classification: Likely benign. Review status: criteria provided, single submitter. Criteria: ACMG Guidelines, 2015. Collection method: not provided. Allele origin: germline. Inheritance: Autosomal recessive inheritance. Affected: yes.

PreventionGenetics, part of Exact Sciences
Classification: Benign. Review status: criteria provided, single submitter. Criteria: ACMG Guidelines, 2015. Collection method: clinical testing. Allele origin: germline.

Natera, Inc.
Classification: Benign for Limb-girdle muscular dystrophy type 2A. Last evaluated: 2020-09-16. Review status: no assertion criteria provided. Collection method: clinical testing. Allele origin: germline. Not counted in ClinVar's aggregate classification.

Genetic Services Laboratory, University of Chicago
Classification: Likely benign for AllHighlyPenetrant. Review status: no assertion criteria provided. Collection method: clinical testing. Allele origin: germline. Inheritance: Autosomal recessive inheritance. Not counted in ClinVar's aggregate classification.
Comment: Likely benign based on allele frequency in 1000 Genomes Project or ESP global frequency and its presence in a patient with a rare or unrelated disease phenotype. NOT Sanger confirmed.

Literature cited by the submitters: PubMed 15221789 (cited by Illumina Laboratory Services, Illumina).